The following is an entry in ClinVar:

NM_014915.3(ANKRD26):c.2398G>A (p.Glu800Lys)

Gene: ANKRD26 (ankyrin repeat domain 26; minus strand). Cytogenetic location: 10p12.1.
Variant type: single nucleotide variant.
Coding change: c.2398G>A on transcript NM_014915.3 (MANE Select); coding-DNA position 2398, G replaced by A.
Protein change: p.Glu800Lys; replaces glutamic acid 800 with lysine.
Molecular consequence: missense variant.
Genome position (GRCh38, 1-based): chr10:27,038,032, C>T on the plus strand (G>A on the coding strand, the complement: ANKRD26 is on the minus strand). VCF-style: chr10-27038032-C-T. GRCh37 (hg19) VCF-style: chr10-27326961-C-T.
Other names: c.2395G>A, p.Glu799Lys (NM_001256053.2); short protein forms E800K, E799K.
Identifiers: ClinVar variation 4826405 (VCV004826405.1).

ClinVar aggregate classification (germline): Uncertain significance (1 of 4 stars; one submission).

Conditions:
Inborn genetic diseases. Identifiers: MedGen C0950123, MeSH D030342.

Submission:

Ambry Genetics
Classification: Uncertain significance for Inborn genetic diseases. Last evaluated: 2026-02-28. Review status: criteria provided, single submitter. Criteria: Ambry Variant Classification Scheme 2023. Collection method: clinical testing. Allele origin: germline.
Comment: The p.E800K variant (also known as c.2398G>A), located in coding exon 22 of the ANKRD26 gene, results from a G to A substitution at nucleotide position 2398. The glutamic acid at codon 800 is replaced by lysine, an amino acid with similar properties. This amino acid position is conserved. In addition, this alteration is predicted to be tolerated by in silico analysis. Based on the available evidence, the clinical significance of this variant remains unclear.